The following is an entry in ClinVar:

ClinVar aggregate classification (germline): Likely benign. Review status: criteria provided, multiple submitters, no conflicts (2 of 4 stars). 2 submissions from 2 submitters: Likely benign (2). Last evaluated 2025-04-19.

Conditions:
Inborn genetic diseases. Identifiers: MedGen C0950123, MeSH D030342.
CHD3-related disorder. Also called: CHD3-related condition.

Allele frequency attached by ClinVar (database versions not stated): ESP Exome Variant Server 0.00008; ExAC 0.00017.
gnomAD v4.1: 187 of 1,524,332 alleles (0.012%); highest among the groups gnomAD compares: Non-Finnish European, 0.0076%; 1 homozygote.

Submissions (2):

PreventionGenetics, part of Exact Sciences
Classification: Likely benign for CHD3-related condition. Last evaluated: 2025-04-19. Review status: criteria provided, single submitter. Criteria: ACMG Guidelines, 2015. Collection method: clinical testing. Allele origin: germline.
Comment: This variant is classified as likely benign based on ACMG/AMP sequence variant interpretation guidelines (Richards et al. 2015 PMID: 25741868, with internal and published modifications).

Ambry Genetics
Classification: Likely benign for Inborn genetic diseases. Last evaluated: 2022-07-14. Review status: criteria provided, single submitter. Criteria: Ambry Variant Classification Scheme 2023. Collection method: clinical testing. Allele origin: germline.

NM_001005273.3(CHD3):c.4951G>C (p.Gly1651Arg)

Gene: CHD3 (chromodomain helicase DNA binding protein 3; plus strand). Cytogenetic location: 17p13.1.
Variant type: single nucleotide variant.
Coding change: c.4951G>C on transcript NM_001005273.3 (MANE Select); coding-DNA position 4951, G replaced by C.
Protein change: p.Gly1651Arg; replaces glycine 1651 with arginine.
Molecular consequence: missense variant. On other transcripts: intron variant (1).
Genome position (GRCh38, 1-based): chr17:7,907,627, G>C. VCF-style: chr17-7907627-G-C. GRCh37 (hg19) VCF-style: chr17-7810945-G-C.
Other names: c.5128G>C, p.Gly1710Arg (NM_001005271.3); c.4924+139G>C (NM_005852.4); short protein forms G1651R, G1710R.
Identifiers: ClinVar variation 2374266 (VCV002374266.3), dbSNP rs368192625, ClinGen allele CA8363534.